The following is an entry in ClinVar:

ClinVar aggregate classification (germline): Uncertain significance (1 of 4 stars; one submission).

gnomAD v4.1: 1 of 1,614,172 alleles (0.000062%); highest among the groups gnomAD compares: Non-Finnish European, 0.000085%; no homozygotes.

Submission:

Labcorp Genetics (formerly Invitae), Labcorp
Classification: Uncertain significance. Last evaluated: 2025-07-09. Review status: criteria provided, single submitter. Criteria: Invitae Variant Classification Sherloc (09022015). Collection method: clinical testing. Allele origin: germline.
Comment: This sequence change replaces leucine, which is neutral and non-polar, with valine, which is neutral and non-polar, at codon 207 of the GRIN2D protein (p.Leu207Val). This variant is not present in population databases (gnomAD no frequency). This variant has not been reported in the literature in individuals affected with GRIN2D-related conditions. ClinVar contains an entry for this variant (Variation ID: 2004343). Invitae Evidence Modeling of protein sequence and biophysical properties (such as structural, functional, and spatial information, amino acid conservation, physicochemical variation, residue mobility, and thermodynamic stability) indicates that this missense variant is not expected to disrupt GRIN2D protein function with a negative predictive value of 80%. In summary, the available evidence is currently insufficient to determine the role of this variant in disease. Therefore, it has been classified as a Variant of Uncertain Significance.

NM_000836.4(GRIN2D):c.619C>G (p.Leu207Val)

Gene: GRIN2D (glutamate ionotropic receptor NMDA type subunit 2D; plus strand). Cytogenetic location: 19q13.33.
Variant type: single nucleotide variant.
Coding change: c.619C>G on transcript NM_000836.4 (MANE Select); coding-DNA position 619, C replaced by G.
Protein change: p.Leu207Val; replaces leucine 207 with valine.
Molecular consequence: missense variant.
Genome position (GRCh38, 1-based): chr19:48,404,887, C>G. VCF-style: chr19-48404887-C-G. GRCh37 (hg19) VCF-style: chr19-48908144-C-G.
Other names: short protein forms L207V.
Identifiers: ClinVar variation 2004343 (VCV002004343.4), dbSNP rs563560262, ClinGen allele CA406691441.
Genomic context (GRCh38, chr19:48,404,887, plus strand): 5'-TTTGTAGCCGTGACCACTCGTGCCCCTGGCCACCGGGCCTTCCTGTCCTACATTGAGGTG[C>G]TGACTGACGGTAGTCTGGTGGGCTGGGAGCACCGCGGAGCGCTGACGCTGGACCCTGGGG-3'
Protein context (NP_000827.2, residues 197-217): HRAFLSYIEV[Leu207Val]TDGSLVGWEH